The following is an entry in ClinVar:

NM_173076.3(ABCA12):c.3270del (p.Val1089_Tyr1090insTer)

Gene: ABCA12 (ATP binding cassette subfamily A member 12; minus strand). Cytogenetic location: 2q35.
Variant type: Deletion.
Coding change: c.3270del on transcript NM_173076.3 (MANE Select); coding-DNA position 3270, one base deleted (T; older notation c.3270delT).
Protein change: p.Val1089_Tyr1090insTer.
Molecular consequence: nonsense. On other transcripts: non-coding transcript variant (1).
Genome position (GRCh38, 1-based): chr2:214,997,719, A deleted on the plus strand (T on the coding strand, the reverse complement: ABCA12 is on the minus strand). VCF-style (leftmost placement, unchanged base first): chr2-214997718-CA-C. GRCh37 (hg19) VCF-style: chr2-215862442-CA-C.
Other names: c.2316del, p.Val771_Tyr772insTer (NM_015657.4).
Identifiers: ClinVar variation 2734380 (VCV002734380.3), dbSNP rs754358467, ClinGen allele CA2091769.

ClinVar aggregate classification (germline): Pathogenic (1 of 4 stars; one submission).

Allele frequency attached by ClinVar (database versions not stated): TOPMed below 0.00001; ExAC 0.00001; gnomAD 0.00001; gnomAD exomes below 0.00001.

Submission:

Labcorp Genetics (formerly Invitae), Labcorp
Classification: Pathogenic. Last evaluated: 2026-01-14. Review status: criteria provided, single submitter. Criteria: Invitae Variant Classification Sherloc (09022015). Collection method: clinical testing. Allele origin: germline.
Comment: This sequence change creates a premature translational stop signal (p.Tyr1090*) in the ABCA12 gene. It is expected to result in an absent or disrupted protein product. Loss-of-function variants in ABCA12 are known to be pathogenic (PMID: 20672373). This variant is present in population databases (rs754358467, gnomAD 0.0009%). This premature translational stop signal has been observed in individual(s) with clinical features of harlequin ichthyosis (PMID: 17986308). ClinVar contains an entry for this variant (Variation ID: 2734380). For these reasons, this variant has been classified as Pathogenic.

Literature cited by the submitters: PubMed 20672373; PubMed 17986308.